The following is an entry in ClinVar:

ClinVar aggregate classification (germline): Uncertain significance (1 of 4 stars; one submission).

Conditions:
Karayol-Borroto-Haghshenas neurodevelopmental syndrome. Identifiers: MedGen C5975476, MONDO:0975836, OMIM 620985.

Submission:

Juno Genomics, Hangzhou Juno Genomics, Inc
Classification: Uncertain significance for Karayol-Borroto-Haghshenas neurodevelopmental syndrome. Review status: criteria provided, single submitter. Criteria: ACMG Guidelines, 2015. Collection method: clinical testing. Allele origin: germline.
Comment: Absent from controls (or at extremely low frequency if recessive) in Genome Aggregation Database.;Null variant in a gene where loss of function (LOF) is a known mechanism of disease.

NM_018133.4(MSL2):c.550_551del (p.Ile184fs)

Gene: MSL2 (MSL complex subunit 2; minus strand). Cytogenetic location: 3q22.3.
Variant type: Deletion.
Coding change: c.550_551del on transcript NM_018133.4 (MANE Select); coding-DNA positions 550 to 551, 2 bases deleted (AT; older notation c.550_551delAT).
Protein change: p.Ile184fs; shifts the reading frame from isoleucine 184.
Molecular consequence: frameshift variant.
Genome position (GRCh38, 1-based): chr3:136,152,330-136,152,331, AT deleted on the plus strand (AT on the coding strand, the reverse complement: MSL2 is on the minus strand). VCF-style (leftmost placement, unchanged base first): chr3-136152329-AAT-A. GRCh37 (hg19) VCF-style: chr3-135871171-AAT-A.
Other names: c.328_329del, p.Ile110fs (NM_001145417.2); short protein forms I110fs, I184fs.
Identifiers: ClinVar variation 5018638 (VCV005018638.2).